The following is an entry in ClinVar:

NM_006440.5(TXNRD2):c.1183-10_1183-7del

Gene: TXNRD2 (thioredoxin reductase 2; minus strand). Cytogenetic location: 22q11.21.
Variant type: Deletion.
Coding change: c.1183-10_1183-7del on transcript NM_006440.5 (MANE Select); 10 bases into the intron before coding-DNA position 1183 through 7 bases into the intron before coding-DNA position 1183, 4 bases deleted (CTGC; older notation c.1183-10_1183-7delCTGC).
Molecular consequence: intron variant.
Genome position (GRCh38, 1-based): chr22:19,880,278-19,880,281, GCAG deleted on the plus strand (CTGC on the coding strand, the reverse complement: TXNRD2 is on the minus strand); deleting any 4 consecutive bases within chr22:19,880,278-19,880,282 gives the same sequence; the c. name uses the placement nearest the transcript's 3' end. VCF-style (leftmost placement, unchanged base first): chr22-19880277-AGCAG-A. GRCh37 (hg19) VCF-style: chr22-19867800-AGCAG-A.
Other names: c.1180-10_1180-7del (NM_001352300.2); c.895-10_895-7del (NM_001352302.2); c.1093-10_1093-7del (NM_001352301.2); c.1183-10_1183-7delCTGC (NM_006440.4).
Identifiers: ClinVar variation 566402 (VCV000566402.9), dbSNP rs1569070709, ClinGen allele CA891844413.

ClinVar aggregate classification (germline): Uncertain significance (1 of 4 stars; one submission).

Conditions:
Primary dilated cardiomyopathy (DCM). Also called: Dilated Cardiomyopathy. Identifiers: Orphanet 217604, MedGen C0007193, MeSH D002311, MONDO:0005021, HP:0001644. Inheritance: Various modes of inheritance.

Submission:

Labcorp Genetics (formerly Invitae), Labcorp
Classification: Uncertain significance for Primary dilated cardiomyopathy. Last evaluated: 2018-03-24. Review status: criteria provided, single submitter. Criteria: Invitae Variant Classification Sherloc (09022015). Collection method: clinical testing. Allele origin: germline.
Comment: In summary, the available evidence is currently insufficient to determine the role of this variant in disease. Therefore, it has been classified as a Variant of Uncertain Significance. Algorithms developed to predict the effect of sequence changes on RNA splicing suggest that this variant may disrupt the consensus splice site, but this prediction has not been confirmed by published transcriptional studies. This variant has not been reported in the literature in individuals with TXNRD2-related disease. This variant is not present in population databases (ExAC no frequency). This sequence change falls in intron 13 of the TXNRD2 gene. It does not directly change the encoded amino acid sequence of the TXNRD2 protein.